The following is an entry in ClinVar:

NM_032119.4(ADGRV1):c.3816G>A (p.Leu1272=)

Gene: ADGRV1 (adhesion G protein-coupled receptor V1; plus strand). Cytogenetic location: 5q14.3.
Variant type: single nucleotide variant.
Coding change: c.3816G>A on transcript NM_032119.4 (MANE Select); coding-DNA position 3816, G replaced by A.
Protein change: p.Leu1272=; no amino-acid change (leucine 1272 retained).
Molecular consequence: synonymous variant. On other transcripts: non-coding transcript variant (1).
Genome position (GRCh38, 1-based): chr5:90,653,390, G>A. VCF-style: chr5-90653390-G-A. GRCh37 (hg19) VCF-style: chr5-89949207-G-A.
Identifiers: ClinVar variation 227405 (VCV000227405.15), dbSNP rs202004141, ClinGen allele CA3339244.

ClinVar aggregate classification (germline): Conflicting classifications of pathogenicity. Review status: criteria provided, conflicting classifications (1 of 4 stars). 4 submissions from 4 submitters: Uncertain significance (1); Likely benign (3). Last evaluated 2025-10-08.

Allele frequency attached by ClinVar (database versions not stated): gnomAD 0.00001; TOPMed 0.00001; gnomAD exomes 0.00002; ExAC 0.00003; 1000 Genomes Project 30x 0.00016; 1000 Genomes Project 0.00020.
gnomAD v4.1: 9 of 1,613,934 alleles (0.00056%); highest among the groups gnomAD compares: Middle Eastern, 0.033%; no homozygotes.

Submissions (4):

Labcorp Genetics (formerly Invitae), Labcorp
Classification: Likely benign. Last evaluated: 2025-10-08. Review status: criteria provided, single submitter. Criteria: Invitae Variant Classification Sherloc (09022015). Collection method: clinical testing. Allele origin: germline.

Blueprint Genetics
Classification: Uncertain significance. Last evaluated: 2024-11-01. Review status: criteria provided, single submitter. Criteria: ACMG Guidelines, 2015. Collection method: clinical testing. Allele origin: germline.

Women's Health and Genetics/Laboratory Corporation of America, LabCorp
Classification: Likely benign. Last evaluated: 2024-03-14. Review status: criteria provided, single submitter. Criteria: LabCorp Variant Classification Summary - May 2015. Collection method: clinical testing. Allele origin: germline.

Laboratory for Molecular Medicine, Mass General Brigham Personalized Medicine
Classification: Likely benign. Last evaluated: 2015-01-30. Review status: criteria provided, single submitter. Criteria: LMM Criteria. Collection method: clinical testing. Allele origin: germline. Observed: 1 variant allele.
Comment: p.Leu1272Leu in exon 20 of GPR98: This variant is not expected to have clinical significance because it does not alter an amino acid residue and is not located within the splice consensus sequence. It has been identified in 2/11478 of Latin o chromosomes by the Exome Aggregation Consortium (ExAC; dbSNP rs202004141).